The following is an entry in ClinVar:

ClinVar aggregate classification (germline): Uncertain significance (1 of 4 stars; one submission).

Submission:

GeneDx
Classification: Uncertain significance. Last evaluated: 2024-10-30. Review status: criteria provided, single submitter. Criteria: GeneDx Variant Classification Process June 2021. Collection method: clinical testing. Allele origin: germline.
Comment: Not observed at significant frequency in large population cohorts (gnomAD); In silico analysis supports that this missense variant has a deleterious effect on protein structure/function; Has not been previously published as pathogenic or benign to our knowledge

NM_006939.4(SOS2):c.2584G>C (p.Asp862His)

Gene: SOS2 (SOS Ras/Rho guanine nucleotide exchange factor 2; minus strand). Cytogenetic location: 14q21.3.
Variant type: single nucleotide variant.
Coding change: c.2584G>C on transcript NM_006939.4 (MANE Select); coding-DNA position 2584, G replaced by C.
Protein change: p.Asp862His; replaces aspartic acid 862 with histidine.
Molecular consequence: missense variant.
Genome position (GRCh38, 1-based): chr14:50,145,253, C>G on the plus strand (G>C on the coding strand, the complement: SOS2 is on the minus strand). VCF-style: chr14-50145253-C-G. GRCh37 (hg19) VCF-style: chr14-50611971-C-G.
Other names: c.2485G>C, p.Asp829His (NM_001411020.1); short protein forms D829H, D862H.
Identifiers: ClinVar variation 3340741 (VCV003340741.2).